The following is an entry in ClinVar:

ClinVar aggregate classification (germline): Uncertain significance (1 of 4 stars; one submission).

Conditions:
Inborn genetic diseases. Identifiers: MedGen C0950123, MeSH D030342.

Submission:

Ambry Genetics
Classification: Uncertain significance for Inborn genetic diseases. Last evaluated: 2025-03-20. Review status: criteria provided, single submitter. Criteria: Ambry Variant Classification Scheme 2023. Collection method: clinical testing. Allele origin: germline.
Comment: The p.A839E variant (also known as c.2516C>A), located in coding exon 27 of the FANCA gene, results from a C to A substitution at nucleotide position 2516. The alanine at codon 839 is replaced by glutamic acid, an amino acid with dissimilar properties. This amino acid position is conserved. In addition, this alteration is predicted to be deleterious by in silico analysis. Based on the available evidence, the clinical significance of this variant remains unclear.

NM_000135.4(FANCA):c.2516C>A (p.Ala839Glu)

Gene: FANCA (FA complementation group A; minus strand). Cytogenetic location: 16q24.3.
Variant type: single nucleotide variant.
Coding change: c.2516C>A on transcript NM_000135.4 (MANE Select); coding-DNA position 2516, C replaced by A.
Protein change: p.Ala839Glu; replaces alanine 839 with glutamic acid.
Molecular consequence: missense variant.
Genome position (GRCh38, 1-based): chr16:89,767,226, G>T on the plus strand (C>A on the coding strand, the complement: FANCA is on the minus strand). VCF-style: chr16-89767226-G-T. GRCh37 (hg19) VCF-style: chr16-89833634-G-T.
Other names: c.2516C>A, p.Ala839Glu (NM_001286167.3); short protein forms A839E.
Identifiers: ClinVar variation 4022098 (VCV004022098.1).